The following is an entry in ClinVar:

ClinVar aggregate classification (germline): Conflicting classifications of pathogenicity. Review status: criteria provided, conflicting classifications (1 of 4 stars). 7 submissions from 7 submitters: Pathogenic (1); Likely pathogenic (3); Uncertain significance (1). 2 of the submissions do not count toward it. Last evaluated 2025-12-29.

Conditions:
ACADVL-related disorder. Also called: ACADVL-related condition.
Very long chain acyl-CoA dehydrogenase deficiency (ACADVLD). Also called: Very Long-Chain Acyl-Coenzyme A Dehydrogenase Deficiency; VLCAD Deficiency. Identifiers: Orphanet 26793, MedGen C3887523, MONDO:0008723, OMIM 201475.

Allele frequency attached by ClinVar (database versions not stated): ExAC 0.00001; gnomAD exomes 0.00001; gnomAD 0.00005; TOPMed 0.00009.
gnomAD v4.1: 23 of 1,614,026 alleles (0.0014%); highest among the groups gnomAD compares: African/African-American, 0.025%; no homozygotes.

Submissions (7):

Labcorp Genetics (formerly Invitae), Labcorp
Classification: Pathogenic for Very long chain acyl-CoA dehydrogenase deficiency. Last evaluated: 2025-12-29. Review status: criteria provided, single submitter. Criteria: Invitae Variant Classification Sherloc (09022015). Collection method: clinical testing. Allele origin: germline.
Comment: This sequence change replaces glycine, which is neutral and non-polar, with serine, which is neutral and polar, at codon 254 of the ACADVL protein (p.Gly254Ser). This variant is present in population databases (rs765423779, gnomAD 0.03%). This missense change has been observed in individual(s) with very long chain acyl-CoA dehydrogenase deficiency (internal data). In at least one individual the data is consistent with being in trans (on the opposite chromosome) from a pathogenic variant. ClinVar contains an entry for this variant (Variation ID: 932752). Invitae Evidence Modeling of protein sequence and biophysical properties (such as structural, functional, and spatial information, amino acid conservation, physicochemical variation, residue mobility, and thermodynamic stability) indicates that this missense variant is not expected to disrupt ACADVL protein function with a negative predictive value of 80%. This variant disrupts the p.Gly254 amino acid residue in ACADVL. Other variant(s) that disrupt this residue have been determined to be pathogenic (PMID: 28755339; internal data). This suggests that this residue is clinically significant, and that variants that disrupt this residue are likely to be disease-causing. For these reasons, this variant has been classified as Pathogenic.

Women's Health and Genetics/Laboratory Corporation of America, LabCorp
Classification: Likely pathogenic for Very long chain acyl-CoA dehydrogenase deficiency. Last evaluated: 2025-08-15. Review status: criteria provided, single submitter. Criteria: LabCorp Variant Classification Summary - May 2015. Collection method: clinical testing. Allele origin: germline.
Comment: Variant summary: ACADVL c.760G>A (p.Gly254Ser) results in a non-conservative amino acid change located in the Acyl-CoA oxidase/dehydrogenase, middle domain (IPR006091) of the encoded protein sequence. Algorithms developed to predict the effect of missense changes on protein structure and function all suggest that this variant is likely to be disruptive. The variant allele was found at a frequency of 8e-06 in 251474 control chromosomes. c.760G>A has been observed in individual(s) affected with Very Long Chain Acyl-CoA Dehydrogenase Deficiency (e.g., Miller_2015, internal data). These data do not allow any conclusion about variant significance. To our knowledge, no experimental evidence demonstrating an impact on protein function has been reported. The following publication has been ascertained in the context of this evaluation (PMID: 26385305). Other missense variant(s) at this amino acid postion have been classified by our laboratory as likely pathogenic/pathogenic (c.761G>A, p.Gly254Asp), suggesting this codon could be critical for normal function of the protein. The following publication has been ascertained in the context of this evaluation (PMID: 26385305).ClinVar contains an entry for this variant (Variation ID: 932752). Based on the evidence outlined above, the variant was classified as likely pathogenic.

Fulgent Genetics
Classification: Likely pathogenic for Very long chain acyl-CoA dehydrogenase deficiency. Last evaluated: 2024-06-04. Review status: criteria provided, single submitter. Criteria: ACMG Guidelines, 2015. Collection method: clinical testing. Allele origin: germline.

ARUP Laboratories, Molecular Genetics and Genomics, ARUP Laboratories
Classification: Likely pathogenic for Very long chain acyl-CoA dehydrogenase deficiency. Last evaluated: 2023-08-22. Review status: criteria provided, single submitter. Criteria: ARUP Molecular Germline Variant Investigation Process 2024. Collection method: clinical testing. Allele origin: germline.
Comment: The ACADVL c.760G>A; p.Gly254Ser variant (rs765423779) is reported in the homozygous state in an individual with very long chain acyl-coA dehydrogenase (VLCAD) deficiency. Functional analyses showed that lymphocytes derived from this individual showed reduced enzymatic activity (Merinero 2018). This variant is only observed on seven alleles in the Genome Aggregation Database, indicating it is not a common polymorphism. The glycine at codon 254 is highly conserved, and computational analyses predict that this variant is deleterious (REVEL=0.866). Based on available information, this variant is considered to be likely pathogenic. References: Merinero B et al. Four Years' Experience in the Diagnosis of Very Long-Chain Acyl-CoA Dehydrogenase Deficiency in Infants Detected in Three Spanish Newborn Screening Centers. JIMD Rep. 2018.

Wong Mito Lab, Molecular and Human Genetics, Baylor College of Medicine
Classification: Uncertain significance for Very long chain acyl-CoA dehydrogenase deficiency. Last evaluated: 2019-11-01. Review status: criteria provided, single submitter. Criteria: ACMG Guidelines, 2015. Collection method: clinical testing. Allele origin: germline.
Comment: The NM_000018.3:c.760G>A (NP_000009.1:p.Gly254Ser) [GRCH38: NC_000017.11:g.7222184G>A] variant in ACADVL gene is interpretated to be Uncertain Significance based on ACMG guidelines (PMID: 25741868). This variant has been reported. This variant meets the following evidence codes reported in the ACMG guidelines: PM1

PreventionGenetics, part of Exact Sciences
Classification: Uncertain significance for ACADVL-related condition. Last evaluated: 2024-04-01. Review status: no assertion criteria provided. Collection method: clinical testing. Allele origin: germline. Not counted in ClinVar's aggregate classification.
Comment: The ACADVL c.760G>A variant is predicted to result in the amino acid substitution p.Gly254Ser. This variant was found in an infant with a positive newborn screening for VLCAD deficiency (Miller et al. 2015. PubMed ID: 26385305). An alternate nucleotide change affecting the same amino acid (p.Gly254Asp), has been reported in the homozygous state in two infants with positive newborn screenings for VLCAD deficiency (Merinero et al. 2018. PubMed ID: 28755359; Martín-Rivada et al. 2022. PubMed ID: 35281663). This variant is reported in 0.028% of alleles in individuals of African descent in gnomAD. At this time, the clinical significance of this variant is uncertain due to the absence of conclusive functional and genetic evidence.

Natera, Inc.
Classification: Uncertain significance for Very long chain acyl-CoA dehydrogenase deficiency. Last evaluated: 2020-05-15. Review status: no assertion criteria provided. Collection method: clinical testing. Allele origin: germline. Not counted in ClinVar's aggregate classification.

Literature cited by the submitters: PubMed 28755339 (cited by Labcorp Genetics (formerly Invitae), Labcorp); PubMed 26385305 (cited by Women's Health and Genetics/Laboratory Corporation of America, LabCorp).

NM_000018.4(ACADVL):c.760G>A (p.Gly254Ser)

Gene: ACADVL (acyl-CoA dehydrogenase very long chain; plus strand). Cytogenetic location: 17p13.1.
Variant type: single nucleotide variant.
Coding change: c.760G>A on transcript NM_000018.4 (MANE Select); coding-DNA position 760, G replaced by A.
Protein change: p.Gly254Ser; replaces glycine 254 with serine.
Molecular consequence: missense variant.
Genome position (GRCh38, 1-based): chr17:7,222,184, G>A. VCF-style: chr17-7222184-G-A. GRCh37 (hg19) VCF-style: chr17-7125503-G-A.
Other names: c.694G>A, p.Gly232Ser (NM_001033859.3); c.829G>A, p.Gly277Ser (NM_001270447.2); c.532G>A, p.Gly178Ser (NM_001270448.2); short protein forms G277S, G178S, G232S, G254S.
Identifiers: ClinVar variation 932752 (VCV000932752.20), dbSNP rs765423779, ClinGen allele CA8337848.